The following is an entry in ClinVar:

NM_001174147.2(LMX1B):c.888G>T (p.Glu296Asp)

Gene: LMX1B (LIM homeobox transcription factor 1 beta; plus strand). Cytogenetic location: 9q33.3.
Variant type: single nucleotide variant.
Coding change: c.888G>T on transcript NM_001174147.2 (MANE Select); coding-DNA position 888, G replaced by T.
Protein change: p.Glu296Asp; replaces glutamic acid 296 with aspartic acid.
Molecular consequence: missense variant.
Genome position (GRCh38, 1-based): chr9:126,695,840, G>T. VCF-style: chr9-126695840-G-T. GRCh37 (hg19) VCF-style: chr9-129458119-G-T.
Other names: c.921G>T, p.Glu307Asp (NM_001174146.2); c.888G>T, p.Glu296Asp (NM_002316.4); short protein forms E296D, E307D.
Identifiers: ClinVar variation 2830196 (VCV002830196.3), dbSNP rs2490694713, ClinGen allele CA374914819.

ClinVar aggregate classification (germline): Uncertain significance (1 of 4 stars; one submission).

gnomAD v4.1: 2 of 1,612,844 alleles (0.00012%); highest among the groups gnomAD compares: Non-Finnish European, 0.00017%; no homozygotes.

Submission:

Labcorp Genetics (formerly Invitae), Labcorp
Classification: Uncertain significance. Last evaluated: 2023-11-17. Review status: criteria provided, single submitter. Criteria: Invitae Variant Classification Sherloc (09022015). Collection method: clinical testing. Allele origin: germline.
Comment: This sequence change replaces glutamic acid, which is acidic and polar, with aspartic acid, which is acidic and polar, at codon 296 of the LMX1B protein (p.Glu296Asp). This variant is not present in population databases (gnomAD no frequency). This variant has not been reported in the literature in individuals affected with LMX1B-related conditions. An algorithm developed to predict the effect of missense changes on protein structure and function (PolyPhen-2) suggests that this variant is likely to be tolerated. In summary, the available evidence is currently insufficient to determine the role of this variant in disease. Therefore, it has been classified as a Variant of Uncertain Significance.